The following is an entry in ClinVar:

ClinVar aggregate classification (germline): Uncertain significance (1 of 4 stars; one submission).

Conditions:
Stuve-Wiedemann syndrome (STWS). Also called: Stüve-Wiedemann syndrome. Identifiers: Orphanet 3206, MedGen C0796176, MONDO:0031280.

Allele frequency attached by ClinVar (database versions not stated): gnomAD exomes 0.00001; ExAC 0.00002.
gnomAD v4.1: 7 of 1,614,192 alleles (0.00043%); highest among the groups gnomAD compares: African/African-American, 0.0013%; no homozygotes.

Submission:

Baylor Genetics
Classification: Uncertain significance for Stüve-Wiedemann syndrome 1. Last evaluated: 2017-09-01. Review status: criteria provided, single submitter. Criteria: ACMG Guidelines, 2015. Collection method: clinical testing. Allele origin: maternal. Inheritance: Autosomal recessive inheritance. Affected: yes.

Literature cited by the submitters: PubMed 25326635.

NM_001127671.2(LIFR):c.2443A>G (p.Thr815Ala)

Gene: LIFR (LIF receptor subunit alpha; minus strand). Cytogenetic location: 5p13.1.
Variant type: single nucleotide variant.
Coding change: c.2443A>G on transcript NM_001127671.2 (MANE Select); coding-DNA position 2443, A replaced by G.
Protein change: p.Thr815Ala; replaces threonine 815 with alanine.
Molecular consequence: missense variant.
Genome position (GRCh38, 1-based): chr5:38,485,873, T>C on the plus strand (A>G on the coding strand, the complement: LIFR is on the minus strand). VCF-style: chr5-38485873-T-C. GRCh37 (hg19) VCF-style: chr5-38485975-T-C.
Other names: c.2443A>G, p.Thr815Ala (NM_001364297.2, NM_001364298.2, NM_002310.6); short protein forms T815A.
Identifiers: ClinVar variation 561051 (VCV000561051.2), dbSNP rs767895692, ClinGen allele CA3242665.
Genomic context (GRCh38, chr5:38,485,873, plus strand): 5'-ACTTACAATTTTCCTTTGTCACCACATACATACTCTTCTCCGGGCCCACTCCACCATCTG[T>C]ATAGGCTCGCAAGACCAGGTGGTAACTTGTTTTACCTTGAAGATCAGCAATTCTCAGTGT-3'
Protein context (NP_001121143.1, residues 805-825): TSYHLVLRAY[Thr815Ala]DGGVGPEKSM